The following is an entry in ClinVar:

NM_181882.3(PRX):c.1094T>G (p.Phe365Cys)

Gene: PRX (periaxin; minus strand). Cytogenetic location: 19q13.2.
Variant type: single nucleotide variant.
Coding change: c.1094T>G on transcript NM_181882.3 (MANE Select); coding-DNA position 1094, T replaced by G.
Protein change: p.Phe365Cys; replaces phenylalanine 365 with cysteine.
Molecular consequence: missense variant. On other transcripts: 3 prime UTR variant (1).
Genome position (GRCh38, 1-based): chr19:40,397,258, A>C on the plus strand (T>G on the coding strand, the complement: PRX is on the minus strand). VCF-style: chr19-40397258-A-C. GRCh37 (hg19) VCF-style: chr19-40903165-A-C.
Other names: c.1379T>G, p.Phe460Cys (NM_001411127.1); c.*1299T>G (NM_020956.2); short protein forms F365C, F460C.
Identifiers: ClinVar variation 4873674 (VCV004873674.2).
Genomic context (GRCh38, chr19:40,397,258, plus strand): 5'-CTGGCCTCAGGGCTGACCTTGGCTACCTTGGCCTCAGCAACTTCCTTTGCTCGAGCCCCA[A>C]ATCGGGGAAAACTAAGGCGGGGCATCTTCAGGGCCACCTCAGGTGCCTCTCCCCGGGCCT-3'
Protein context (NP_870998.2, residues 355-375): LKMPRLSFPR[Phe365Cys]GARAKEVAEA

ClinVar aggregate classification (germline): Uncertain significance (1 of 4 stars; one submission).

Submission:

CeGaT Center for Human Genetics Tuebingen
Classification: Uncertain significance. Last evaluated: 2026-06-01. Review status: criteria provided, single submitter. Criteria: CeGaT Center For Human Genetics Tuebingen Variant Classification Criteria Version 2. Collection method: clinical testing. Allele origin: germline. Affected: yes. Observed: 1 variant allele.
Comment: PRX: PM2